The following is an entry in ClinVar:

NM_006514.4(SCN10A):c.1522C>T (p.Arg508Trp)

Gene: SCN10A (sodium voltage-gated channel alpha subunit 10; minus strand). Cytogenetic location: 3p22.2.
Variant type: single nucleotide variant.
Coding change: c.1522C>T on transcript NM_006514.4 (MANE Select); coding-DNA position 1522, C replaced by T.
Protein change: p.Arg508Trp; replaces arginine 508 with tryptophan.
Molecular consequence: missense variant. On other transcripts: intron variant (1).
Genome position (GRCh38, 1-based): chr3:38,752,452, G>A on the plus strand (C>T on the coding strand, the complement: SCN10A is on the minus strand). VCF-style: chr3-38752452-G-A. GRCh37 (hg19) VCF-style: chr3-38793943-G-A.
Other names: c.1522C>T, p.Arg508Trp (NM_001293306.2); c.1462-2268C>T (NM_001293307.2); short protein forms R508W.
Identifiers: ClinVar variation 1045347 (VCV001045347.7), dbSNP rs112774699, ClinGen allele CA2320824.

ClinVar aggregate classification (germline): Conflicting classifications of pathogenicity. Review status: criteria provided, conflicting classifications (1 of 4 stars). 2 submissions from 2 submitters: Uncertain significance (1); Likely benign (1). Last evaluated 2024-10-16.

Conditions:
Brugada syndrome. Also called: Sudden Unexplained Death Syndrome; Sudden Unexplained Nocturnal Death Syndrome (SUNDS); Sudden unexplained nocturnal death syndrome; Sudden unexpected nocturnal death syndrome. Identifiers: Orphanet 130, MedGen C1142166, MONDO:0015263.
Cardiovascular phenotype. Identifiers: MedGen CN230736.

Allele frequency attached by ClinVar (database versions not stated): gnomAD 0.00001 and 0.00005; TOPMed 0.00002; gnomAD exomes 0.00003 and 0.00004; ExAC 0.00005.
gnomAD v4.1: 68 of 1,612,574 alleles (0.0042%); highest among the groups gnomAD compares: African/African-American, 0.024%; no homozygotes.

Submissions (2):

Labcorp Genetics (formerly Invitae), Labcorp
Classification: Uncertain significance for Brugada syndrome. Last evaluated: 2024-10-16. Review status: criteria provided, single submitter. Criteria: Invitae Variant Classification Sherloc (09022015). Collection method: clinical testing. Allele origin: germline.
Comment: This sequence change replaces arginine, which is basic and polar, with tryptophan, which is neutral and slightly polar, at codon 508 of the SCN10A protein (p.Arg508Trp). This variant is present in population databases (rs112774699, gnomAD 0.02%). This variant has not been reported in the literature in individuals affected with SCN10A-related conditions. ClinVar contains an entry for this variant (Variation ID: 1045347). Invitae Evidence Modeling of protein sequence and biophysical properties (such as structural, functional, and spatial information, amino acid conservation, physicochemical variation, residue mobility, and thermodynamic stability) indicates that this missense variant is expected to disrupt SCN10A protein function with a positive predictive value of 80%. In summary, the available evidence is currently insufficient to determine the role of this variant in disease. Therefore, it has been classified as a Variant of Uncertain Significance.

Ambry Genetics
Classification: Likely benign for Cardiovascular phenotype. Last evaluated: 2020-01-17. Review status: criteria provided, single submitter. Criteria: Ambry Variant Classification Scheme 2023. Collection method: clinical testing. Allele origin: germline.